The following is an entry in ClinVar:

NM_012200.4(B3GAT3):c.694C>G (p.Gln232Glu)

Gene: B3GAT3 (beta-1,3-glucuronyltransferase 3; minus strand). Cytogenetic location: 11q12.3.
Variant type: single nucleotide variant.
Coding change: c.694C>G on transcript NM_012200.4 (MANE Select); coding-DNA position 694, C replaced by G.
Protein change: p.Gln232Glu; replaces glutamine 232 with glutamic acid.
Molecular consequence: missense variant. On other transcripts: non-coding transcript variant (1).
Genome position (GRCh38, 1-based): chr11:62,616,721, G>C on the plus strand (C>G on the coding strand, the complement: B3GAT3 is on the minus strand). VCF-style: chr11-62616721-G-C. GRCh37 (hg19) VCF-style: chr11-62384193-G-C.
Other names: c.673C>G, p.Gln225Glu (NM_001288721.2); c.694C>G, p.Gln232Glu (NM_001288722.2, NM_001288723.2); short protein forms Q232E, Q225E.
Identifiers: ClinVar variation 2059139 (VCV002059139.3), dbSNP rs770716485, ClinGen allele CA6050026.

ClinVar aggregate classification (germline): Uncertain significance (1 of 4 stars; one submission).

Conditions:
Larsen-like syndrome, B3GAT3 type. Also called: Multiple joint dislocations, short stature, craniofacial dysmorphism, with or without congenital heart defects; MULTIPLE JOINT DISLOCATIONS, SHORT STATURE, AND CRANIOFACIAL DYSMORPHISM WITH OR WITHOUT CONGENITAL HEART DEFECTS. Identifiers: Orphanet 284139, MedGen CN034159, MONDO:0009511, OMIM 245600.

Allele frequency attached by ClinVar (database versions not stated): TOPMed 0.00001; gnomAD 0.00001.
gnomAD v4.1: 10 of 1,613,984 alleles (0.00062%); highest among the groups gnomAD compares: Non-Finnish European, 0.00085%; no homozygotes.

Submission:

Labcorp Genetics (formerly Invitae), Labcorp
Classification: Uncertain significance for Larsen-like syndrome, B3GAT3 type. Last evaluated: 2023-02-20. Review status: criteria provided, single submitter. Criteria: Invitae Variant Classification Sherloc (09022015). Collection method: clinical testing. Allele origin: germline.
Comment: In summary, the available evidence is currently insufficient to determine the role of this variant in disease. Therefore, it has been classified as a Variant of Uncertain Significance. Advanced modeling of protein sequence and biophysical properties (such as structural, functional, and spatial information, amino acid conservation, physicochemical variation, residue mobility, and thermodynamic stability) performed at Invitae indicates that this missense variant is not expected to disrupt B3GAT3 protein function. This variant has not been reported in the literature in individuals affected with B3GAT3-related conditions. This variant is present in population databases (rs770716485, gnomAD 0.002%). This sequence change replaces glutamine, which is neutral and polar, with glutamic acid, which is acidic and polar, at codon 232 of the B3GAT3 protein (p.Gln232Glu).